The following is an entry in ClinVar:

NM_020458.4(TTC7A):c.1036C>T (p.Leu346Phe)

Gene: TTC7A (tetratricopeptide repeat domain 7A; plus strand). Cytogenetic location: 2p21.
Variant type: single nucleotide variant.
Coding change: c.1036C>T on transcript NM_020458.4 (MANE Select); coding-DNA position 1036, C replaced by T.
Protein change: p.Leu346Phe; replaces leucine 346 with phenylalanine.
Molecular consequence: missense variant. On other transcripts: 5 prime UTR variant (1).
Genome position (GRCh38, 1-based): chr2:46,995,170, C>T. VCF-style: chr2-46995170-C-T. GRCh37 (hg19) VCF-style: chr2-47222309-C-T.
Other names: c.1036C>T, p.Leu346Phe (NM_001288951.2); c.934C>T, p.Leu312Phe (NM_001288953.2); c.-27C>T (NM_001288955.2); short protein forms L346F, L312F.
Identifiers: ClinVar variation 1395542 (VCV001395542.6), dbSNP rs750241083, ClinGen allele CA1647460.
Genomic context (GRCh38, chr2:46,995,170, plus strand): 5'-CCAGGCCTGTCATTGGTGTCTTTCAGCCTCTACTGCCCCAAGGACAACATCGAGGAAGCC[C>T]TCCTGCTCCTCCTCATCAGCGAATCCATGGTAAGCTCCAGGATGTCCTTCAGGGGCCTCT-3'
Protein context (NP_065191.2, residues 336-356): YCPKDNIEEA[Leu346Phe]LLLLISESMA

ClinVar aggregate classification (germline): Uncertain significance (1 of 4 stars; one submission).

Conditions:
Multiple gastrointestinal atresias. Also called: FAMILIAL INTESTINAL POLYATRESIA SYNDROME; Multiple intestinal atresia. Identifiers: Orphanet 2300, MedGen C0220744, MONDO:0009465.

Allele frequency attached by ClinVar (database versions not stated): gnomAD exomes below 0.00001; ExAC 0.00001.
gnomAD v4.1: 3 of 1,614,176 alleles (0.00019%); highest among the groups gnomAD compares: Non-Finnish European, 0.00017%; no homozygotes.

Submission:

Labcorp Genetics (formerly Invitae), Labcorp
Classification: Uncertain significance for Multiple gastrointestinal atresias. Last evaluated: 2021-11-28. Review status: criteria provided, single submitter. Criteria: Invitae Variant Classification Sherloc (09022015). Collection method: clinical testing. Allele origin: germline.
Comment: This sequence change replaces leucine, which is neutral and non-polar, with phenylalanine, which is neutral and non-polar, at codon 346 of the TTC7A protein (p.Leu346Phe). In summary, the available evidence is currently insufficient to determine the role of this variant in disease. Therefore, it has been classified as a Variant of Uncertain Significance. Algorithms developed to predict the effect of missense changes on protein structure and function are either unavailable or do not agree on the potential impact of this missense change (SIFT: "Deleterious"; PolyPhen-2: "Probably Damaging"; Align-GVGD: "Class C0"). This variant has not been reported in the literature in individuals affected with TTC7A-related conditions. This variant is present in population databases (rs750241083, gnomAD 0.01%).